The following is an entry in ClinVar:

ClinVar aggregate classification (germline): Uncertain significance (1 of 4 stars; one submission).

Conditions:
Early-infantile DEE. Also called: Early infantile epileptic encephalopathy; Ohtahara syndrome; Early infantile epileptic encephalopathy with suppression bursts. Identifiers: Orphanet 1934, MedGen C0393706, MONDO:0800491.

Submission:

Labcorp Genetics (formerly Invitae), Labcorp
Classification: Uncertain significance for Early-infantile DEE. Last evaluated: 2023-08-04. Review status: criteria provided, single submitter. Criteria: Invitae Variant Classification Sherloc (09022015). Collection method: clinical testing. Allele origin: germline.
Comment: In summary, the available evidence is currently insufficient to determine the role of this variant in disease. Therefore, it has been classified as a Variant of Uncertain Significance. This sequence change replaces glutamine, which is neutral and polar, with lysine, which is basic and polar, at codon 2035 of the SPTAN1 protein (p.Gln2035Lys). This variant is not present in population databases (gnomAD no frequency). This variant has not been reported in the literature in individuals affected with SPTAN1-related conditions. ClinVar contains an entry for this variant (Variation ID: 1512243). Advanced modeling of protein sequence and biophysical properties (such as structural, functional, and spatial information, amino acid conservation, physicochemical variation, residue mobility, and thermodynamic stability) has been performed at Invitae for this missense variant, however the output from this modeling did not meet the statistical confidence thresholds required to predict the impact of this variant on SPTAN1 protein function.

NM_001130438.3(SPTAN1):c.6103C>A (p.Gln2035Lys)

Gene: SPTAN1 (spectrin alpha, non-erythrocytic 1; plus strand). Cytogenetic location: 9q34.11.
Variant type: single nucleotide variant.
Coding change: c.6103C>A on transcript NM_001130438.3 (MANE Select); coding-DNA position 6103, C replaced by A.
Protein change: p.Gln2035Lys; replaces glutamine 2035 with lysine.
Molecular consequence: missense variant.
Genome position (GRCh38, 1-based): chr9:128,625,802, C>A. VCF-style: chr9-128625802-C-A. GRCh37 (hg19) VCF-style: chr9-131388081-C-A.
Other names: c.6028C>A, p.Gln2010Lys (NM_001195532.2); c.6103C>A, p.Gln2035Lys (NM_001363759.2, NM_001375310.1, NM_001375311.2 and 1 more transcripts); c.6043C>A, p.Gln2015Lys (NM_001363765.2, NM_001375314.2); c.6139C>A, p.Gln2047Lys (NM_001375312.2, NM_001375318.1); c.6088C>A, p.Gln2030Lys (NM_003127.4); short protein forms Q2035K, Q2010K, Q2030K, Q2047K, Q2015K.
Identifiers: ClinVar variation 1512243 (VCV001512243.9), dbSNP rs145129059, ClinGen allele CA375086007.